The following is an entry in ClinVar:

ClinVar aggregate classification (germline): Uncertain significance (1 of 4 stars; one submission).

Submission:

GeneDx
Classification: Uncertain significance. Last evaluated: 2023-06-21. Review status: criteria provided, single submitter. Criteria: GeneDx Variant Classification Process June 2021. Collection method: clinical testing. Allele origin: germline. Affected: yes.
Comment: Not observed at significant frequency in large population cohorts (gnomAD); In silico analysis supports that this missense variant does not alter protein structure/function; Has not been previously published as pathogenic or benign to our knowledge

NM_001135998.3(NDUFB11):c.8C>T (p.Ala3Val)

Gene: NDUFB11 (NADH:ubiquinone oxidoreductase subunit B11; minus strand). Cytogenetic location: Xp11.3.
Variant type: single nucleotide variant.
Coding change: c.8C>T on transcript NM_001135998.3 (MANE Select); coding-DNA position 8, C replaced by T.
Protein change: p.Ala3Val; replaces alanine 3 with valine.
Molecular consequence: missense variant.
Genome position (GRCh38, 1-based): chrX:47,144,672, G>A on the plus strand (C>T on the coding strand, the complement: NDUFB11 is on the minus strand). VCF-style: chrX-47144672-G-A. GRCh37 (hg19) VCF-style: chrX-47004071-G-A.
Other names: c.8C>T, p.Ala3Val (NM_019056.7); short protein forms A3V.
Identifiers: ClinVar variation 3360179 (VCV003360179.1).
Genomic context (GRCh38, chrX:47,144,672, plus strand): 5'-GGGAGCCCTCGCGTCGCCGCTGCCGCCAAAAGACGGCGAGCGCTCAAACCAAACAGCCCA[G>A]CCGCCATGACAGATGGTGCTGCAGGGTCTCAGGGGCGGGGAAAGAAATGCGACTGTGCGC-3'
Protein context (NP_001129470.1, residues 1-13): MA[Ala3Val]GLFGLSARRL